The following is an entry in ClinVar:

ClinVar aggregate classification (germline): Benign (1 of 4 stars; one submission).

Submission:

GeneDx
Classification: Benign. Last evaluated: 2018-06-14. Review status: criteria provided, single submitter. Criteria: GeneDx Variant Classification (06012015). Collection method: clinical testing. Allele origin: germline. Affected: yes.
Comment: This variant is considered likely benign or benign based on one or more of the following criteria: it is a conservative change, it occurs at a poorly conserved position in the protein, it is predicted to be benign by multiple in silico algorithms, and/or has population frequency not consistent with disease.

NM_000069.3(CACNA1S):c.2157+198_2157+200del

Gene: CACNA1S (calcium voltage-gated channel subunit alpha1 S; minus strand). Cytogenetic location: 1q32.1.
Variant type: Microsatellite.
Coding change: c.2157+198_2157+200del on transcript NM_000069.3 (MANE Select); bases 198 to 200 of the intron after coding-DNA position 2157, 3 bases deleted (CAG; older notation c.2157+198_2157+200delCAG).
Molecular consequence: intron variant.
Genome position (GRCh38, 1-based): chr1:201,073,349-201,073,351, CTG deleted on the plus strand (CAG on the coding strand, the reverse complement: CACNA1S is on the minus strand); deleting any 3 consecutive bases within chr1:201,073,349-201,073,354 gives the same sequence; the c. name uses the placement nearest the transcript's 3' end. VCF-style (leftmost placement, unchanged base first): chr1-201073348-TCTG-T. GRCh37 (hg19) VCF-style: chr1-201042476-TCTG-T.
Identifiers: ClinVar variation 678223 (VCV000678223.1), dbSNP rs71138316, ClinGen allele CA35974925.
Genomic context (GRCh38, chr1:201,073,348, plus strand): 5'-CTCCTTGGTCTGGAGTGGGAAGCTGCTACGCTGGAGAAGTCTGGTTCCCAGATTGGGAGG[TCTG>T]CTGTGCCTCTCAGTGCAGGAGTCCCTGGAGATGGATTCGCTGGCTCTCCCTCCAGTCGTA-3'